The following is an entry in ClinVar:

NM_005751.5(AKAP9):c.9854A>T (p.Asp3285Val)

Gene: AKAP9 (A-kinase anchoring protein 9; plus strand). Cytogenetic location: 7q21.2.
Variant type: single nucleotide variant.
Coding change: c.9854A>T on transcript NM_005751.5 (MANE Select); coding-DNA position 9854, A replaced by T.
Protein change: p.Asp3285Val; replaces aspartic acid 3285 with valine.
Molecular consequence: missense variant.
Genome position (GRCh38, 1-based): chr7:92,096,813, A>T. VCF-style: chr7-92096813-A-T. GRCh37 (hg19) VCF-style: chr7-91726127-A-T.
Other names: c.4499A>T, p.Asp1500Val (NM_001379277.1); c.9830A>T, p.Asp3277Val (NM_147185.3); short protein forms D1500V, D3277V, D3285V.
Identifiers: ClinVar variation 4034169 (VCV004034169.1).
Genomic context (GRCh38, chr7:92,096,813, plus strand): 5'-AACAGAAACAACTACTGAACGAATCCCAGCAAAAAATAGAATCACAGAGAATGCTATATG[A>T]TGCCCAGTTGTCAGAAGAACAAGGTCGAAACTTAGAGCTTCAGGTACTTCTTGAATCTGA-3'
Protein context (NP_005742.4, residues 3275-3295): QKIESQRMLY[Asp3285Val]AQLSEEQGRN

ClinVar aggregate classification (germline): Uncertain significance (1 of 4 stars; one submission).

Conditions:
Cardiovascular phenotype. Identifiers: MedGen CN230736.

Submission:

Ambry Genetics
Classification: Uncertain significance for Cardiovascular phenotype. Last evaluated: 2025-05-26. Review status: criteria provided, single submitter. Criteria: Ambry Variant Classification Scheme 2023. Collection method: clinical testing. Allele origin: germline.
Comment: The p.D3285V variant (also known as c.9854A>T), located in coding exon 41 of the AKAP9 gene, results from an A to T substitution at nucleotide position 9854. The aspartic acid at codon 3285 is replaced by valine, an amino acid with highly dissimilar properties. This amino acid position is conserved. In addition, this alteration is predicted to be tolerated by in silico analysis. Based on the available evidence, the clinical significance of this variant remains unclear.